The following is an entry in ClinVar:

NM_000492.4(CFTR):c.2053C>T (p.Gln685Ter)

Gene: CFTR (CF transmembrane conductance regulator; plus strand). Cytogenetic location: 7q31.2.
Variant type: single nucleotide variant.
Coding change: c.2053C>T on transcript NM_000492.4 (MANE Select); coding-DNA position 2053, C replaced by T.
Protein change: p.Gln685Ter; replaces glutamine 685 with a stop codon.
Molecular consequence: nonsense.
Genome position (GRCh38, 1-based): chr7:117,592,220, C>T. VCF-style: chr7-117592220-C-T. GRCh37 (hg19) VCF-style: chr7-117232274-C-T.
Other names: short protein forms Q685*.
Identifiers: ClinVar variation 53434 (VCV000053434.3), dbSNP rs397508336, ClinGen allele CA326740.
Genomic context (GRCh38, chr7:117,592,220, plus strand): 5'-ACCTTACACCGTTTCTCATTAGAAGGAGATGCTCCTGTCTCCTGGACAGAAACAAAAAAA[C>T]AATCTTTTAAACAGACTGGAGAGTTTGGGGAAAAAAGGAAGAATTCTATTCTCAATCCAA-3'

ClinVar aggregate classification (germline): Pathogenic. Review status: reviewed by expert panel (3 of 4 stars). 2 submissions from 2 submitters: Pathogenic (1). 1 of the submissions does not count toward it. Last evaluated 2017-03-17.

Conditions:
CFTR-related disorder (CFTR-RD). Also called: CFTR-related disorders; CFTR-related condition. Identifiers: MedGen C5924204, MONDO:7770004.
Cystic fibrosis (CF). Also called: MUCOVISCIDOSIS. Identifiers: Orphanet 586, MedGen C0010674, MONDO:0009061, OMIM 219700. Disease mechanism: loss of function.

Submissions (2):

CFTR2
Classification: Pathogenic for Cystic fibrosis. Last evaluated: 2017-03-17. Review status: reviewed by expert panel. Criteria: Sosnay PR et al. (Nat Genet 2013). Collection method: research. Allele origin: germline. Affected: yes. Study: CFTR2.

Natera, Inc.
Classification: Pathogenic for CFTR-related disorders. Last evaluated: 2025-11-06. Review status: criteria provided, single submitter. Criteria: Natera Variant Classification Schema (03/2026). Collection method: clinical testing. Allele origin: germline. Not counted in ClinVar's aggregate classification.
Comment: The c.2053C>T variant in CFTR is a nonsense variant predicted to introduce a stop codon at amino acid 685. This variant is expected to result in nonsense mediated decay, truncation, or a dysfunctional protein product. This variant is rare in the general population with a frequency below the threshold expected for the associated phenotype(s). This variant has been observed in one or more individuals affected with the associated recessive disease, as either homozygous or compound heterozygous with a second variant (PMID: 7516305). Given the available evidence, this variant is classified as Pathogenic.

Literature cited by the submitters: PubMed 7516305 (cited by Natera, Inc.).